The following is an entry in ClinVar:

ClinVar aggregate classification (germline): Uncertain significance. Review status: criteria provided, multiple submitters, no conflicts (2 of 4 stars). 2 submissions from 2 submitters: Uncertain significance (2). Last evaluated 2023-03-07.

Conditions:
Inborn genetic diseases. Identifiers: MedGen C0950123, MeSH D030342.

Submissions (2):

Ambry Genetics
Classification: Uncertain significance for Inborn genetic diseases. Last evaluated: 2023-03-07. Review status: criteria provided, single submitter. Criteria: Ambry Variant Classification Scheme 2023. Collection method: clinical testing. Allele origin: germline.

GeneDx
Classification: Uncertain significance. Last evaluated: 2020-11-03. Review status: criteria provided, single submitter. Criteria: GeneDx Variant Classification Process June 2021. Collection method: clinical testing. Allele origin: germline. Affected: yes.
Comment: Not observed in large population cohorts (Lek et al., 2016); In silico analysis supports that this missense variant has a deleterious effect on protein structure/function; Has not been previously published as pathogenic or benign to our knowledge

NM_021098.3(CACNA1H):c.6571T>C (p.Cys2191Arg)

Gene: CACNA1H (calcium voltage-gated channel subunit alpha1 H; plus strand). Cytogenetic location: 16p13.3.
Variant type: single nucleotide variant.
Coding change: c.6571T>C on transcript NM_021098.3 (MANE Select); coding-DNA position 6571, T replaced by C.
Protein change: p.Cys2191Arg; replaces cysteine 2191 with arginine.
Molecular consequence: missense variant.
Genome position (GRCh38, 1-based): chr16:1,220,503, T>C. VCF-style: chr16-1220503-T-C. GRCh37 (hg19) VCF-style: chr16-1270503-T-C.
Other names: c.6553T>C, p.Cys2185Arg (NM_001005407.2); short protein forms C2185R, C2191R.
Identifiers: ClinVar variation 1318761 (VCV001318761.4), dbSNP rs1970398720, ClinGen allele CA394149983.